The following is an entry in ClinVar:

NM_000426.4(LAMA2):c.1364G>A (p.Arg455Gln)

Gene: LAMA2 (laminin subunit alpha 2; plus strand). Cytogenetic location: 6q22.33.
Variant type: single nucleotide variant.
Coding change: c.1364G>A on transcript NM_000426.4 (MANE Select); coding-DNA position 1364, G replaced by A.
Protein change: p.Arg455Gln; replaces arginine 455 with glutamine.
Molecular consequence: missense variant.
Genome position (GRCh38, 1-based): chr6:129,177,763, G>A. VCF-style: chr6-129177763-G-A. GRCh37 (hg19) VCF-style: chr6-129498908-G-A.
Other names: c.1364G>A, p.Arg455Gln (NM_001079823.2); short protein forms R455Q.
Identifiers: ClinVar variation 162574 (VCV000162574.9), dbSNP rs201177178, ClinGen allele CA295386.
Genomic context (GRCh38, chr6:129,177,763, plus strand): 5'-TAGGTTTGGCACCTGGATCCTGTCATTGCAAAACTGGTTTTGGAGGTGTGAGCTGTGATC[G>A]GTGTGCCAGGGGCTACACTGGCTACCCGGACTGCAAAGCCTGTAACTGCAGTGGGTTAGG-3'
Protein context (NP_000417.3, residues 445-465): KTGFGGVSCD[Arg455Gln]CARGYTGYPD

ClinVar aggregate classification (germline): Uncertain significance. Review status: criteria provided, multiple submitters, no conflicts (2 of 4 stars). 4 submissions from 4 submitters: Uncertain significance (3). 1 of the submissions does not count toward it. Last evaluated 2023-11-28.

Conditions:
Inborn genetic diseases. Identifiers: MedGen C0950123, MeSH D030342.
LAMA2-related muscular dystrophy (LAMA2-RD). Also called: Laminin alpha 2-related dystrophy. Identifiers: MedGen C5679788, MONDO:0100228.
Merosin deficient congenital muscular dystrophy (MDC1A). Also called: Congenital merosin-deficient muscular dystrophy 1A; Congenital Muscular Dystrophy Type 1A (MDC1A). Identifiers: Orphanet 258, MedGen C1263858, MONDO:0011925, OMIM 607855.

Allele frequency attached by ClinVar (database versions not stated): gnomAD 0.00001 and 0.00002; TOPMed 0.00001; ExAC 0.00003; 1000 Genomes Project 30x 0.00016; 1000 Genomes Project 0.00020.
gnomAD v4.1: 28 of 1,613,898 alleles (0.0017%); highest among the groups gnomAD compares: African/African-American, 0.0053%; no homozygotes.

Submissions (4):

Revvity Omics, Revvity
Classification: Uncertain significance. Last evaluated: 2023-11-28. Review status: criteria provided, single submitter. Criteria: ACMG Guidelines, 2015. Collection method: clinical testing. Allele origin: germline.

Labcorp Genetics (formerly Invitae), Labcorp
Classification: Uncertain significance for LAMA2-related muscular dystrophy. Last evaluated: 2022-08-08. Review status: criteria provided, single submitter. Criteria: Invitae Variant Classification Sherloc (09022015). Collection method: clinical testing. Allele origin: germline.
Comment: This sequence change replaces arginine, which is basic and polar, with glutamine, which is neutral and polar, at codon 455 of the LAMA2 protein (p.Arg455Gln). This variant is present in population databases (rs201177178, gnomAD 0.005%). This variant has not been reported in the literature in individuals affected with LAMA2-related conditions. ClinVar contains an entry for this variant (Variation ID: 162574). Advanced modeling of protein sequence and biophysical properties (such as structural, functional, and spatial information, amino acid conservation, physicochemical variation, residue mobility, and thermodynamic stability) performed at Invitae indicates that this missense variant is not expected to disrupt LAMA2 protein function. In summary, the available evidence is currently insufficient to determine the role of this variant in disease. Therefore, it has been classified as a Variant of Uncertain Significance.

Ambry Genetics
Classification: Uncertain significance for Inborn genetic diseases. Last evaluated: 2022-08-02. Review status: criteria provided, single submitter. Criteria: Ambry Variant Classification Scheme 2023. Collection method: clinical testing. Allele origin: germline.

Counsyl
Classification: Uncertain significance for Merosin deficient congenital muscular dystrophy. Last evaluated: 2017-01-30. Review status: no assertion criteria provided. Collection method: clinical testing. Allele origin: unknown. Not counted in ClinVar's aggregate classification.